The following is an entry in ClinVar:

ClinVar aggregate classification (germline): Uncertain significance (1 of 4 stars; one submission).

Submission:

Labcorp Genetics (formerly Invitae), Labcorp
Classification: Uncertain significance. Last evaluated: 2022-10-17. Review status: criteria provided, single submitter. Criteria: Invitae Variant Classification Sherloc (09022015). Collection method: clinical testing. Allele origin: germline.
Comment: In summary, the available evidence is currently insufficient to determine the role of this variant in disease. Therefore, it has been classified as a Variant of Uncertain Significance. Advanced modeling of protein sequence and biophysical properties (such as structural, functional, and spatial information, amino acid conservation, physicochemical variation, residue mobility, and thermodynamic stability) performed at Invitae indicates that this missense variant is not expected to disrupt EXTL3 protein function. ClinVar contains an entry for this variant (Variation ID: 1496542). This variant has not been reported in the literature in individuals affected with EXTL3-related conditions. This variant is not present in population databases (gnomAD no frequency). This sequence change replaces threonine, which is neutral and polar, with serine, which is neutral and polar, at codon 293 of the EXTL3 protein (p.Thr293Ser).

NM_001440.4(EXTL3):c.878C>G (p.Thr293Ser)

Gene: EXTL3 (exostosin like glycosyltransferase 3; plus strand). Cytogenetic location: 8p21.1.
Variant type: single nucleotide variant.
Coding change: c.878C>G on transcript NM_001440.4 (MANE Select); coding-DNA position 878, C replaced by G.
Protein change: p.Thr293Ser; replaces threonine 293 with serine.
Molecular consequence: missense variant.
Genome position (GRCh38, 1-based): chr8:28,716,937, C>G. VCF-style: chr8-28716937-C-G. GRCh37 (hg19) VCF-style: chr8-28574454-C-G.
Other names: short protein forms T293S.
Identifiers: ClinVar variation 1496542 (VCV001496542.6), dbSNP rs2130737864, ClinGen allele CA370857679.